The following is an entry in ClinVar:

NM_212482.4(FN1):c.860C>T (p.Thr287Ile)

Gene: FN1 (fibronectin 1; minus strand). Cytogenetic location: 2q35.
Variant type: single nucleotide variant.
Coding change: c.860C>T on transcript NM_212482.4 (MANE Select); coding-DNA position 860, C replaced by T.
Protein change: p.Thr287Ile; replaces threonine 287 with isoleucine.
Molecular consequence: missense variant.
Genome position (GRCh38, 1-based): chr2:215,425,270, G>A on the plus strand (C>T on the coding strand, the complement: FN1 is on the minus strand). VCF-style: chr2-215425270-G-A. GRCh37 (hg19) VCF-style: chr2-216289993-G-A.
Other names: c.860C>T, p.Thr287Ile (NM_001306129.2, NM_001306130.2, NM_001306131.2 and 14 more transcripts); short protein forms T287I.
Identifiers: ClinVar variation 1001839 (VCV001001839.9), dbSNP rs370666158, ClinGen allele CA64831388.

ClinVar aggregate classification (germline): Uncertain significance. Review status: criteria provided, multiple submitters, no conflicts (2 of 4 stars). 2 submissions from 2 submitters: Uncertain significance (2). Last evaluated 2024-04-22.

Conditions:
Glomerulopathy with fibronectin deposits 2 (GFND2). Identifiers: Orphanet 84090, MedGen C1866075, MONDO:0011165, OMIM 601894.
Spondylometaphyseal dysplasia - Sutcliffe type. Also called: Sutcliffe type of spondylometaphyseal dysplasia; Sutcliffe SMD; Spondylometaphyseal dysplasia, 'corner fracture' type; Spondylometaphyseal Dysplasia, Corner Fracture Type. Identifiers: Orphanet 93315, MedGen C0432221, MONDO:0008479, OMIM 184255.

Allele frequency attached by ClinVar (database versions not stated): gnomAD exomes below 0.00001; TOPMed below 0.00001; gnomAD 0.00001; ESP Exome Variant Server 0.00008.
gnomAD v4.1: 2 of 1,613,998 alleles (0.00012%); highest among the groups gnomAD compares: Non-Finnish European, 0.00017%; no homozygotes.

Submissions (2):

Fulgent Genetics
Classification: Uncertain significance for Spondylometaphyseal dysplasia - Sutcliffe type; Glomerulopathy with fibronectin deposits 2. Last evaluated: 2024-04-22. Review status: criteria provided, single submitter. Criteria: ACMG Guidelines, 2015. Collection method: clinical testing. Allele origin: germline.

Labcorp Genetics (formerly Invitae), Labcorp
Classification: Uncertain significance. Last evaluated: 2024-01-04. Review status: criteria provided, single submitter. Criteria: Invitae Variant Classification Sherloc (09022015). Collection method: clinical testing. Allele origin: germline.
Comment: This sequence change replaces threonine, which is neutral and polar, with isoleucine, which is neutral and non-polar, at codon 287 of the FN1 protein (p.Thr287Ile). This variant is not present in population databases (gnomAD no frequency). This variant has not been reported in the literature in individuals affected with FN1-related conditions. ClinVar contains an entry for this variant (Variation ID: 1001839). Advanced modeling of protein sequence and biophysical properties (such as structural, functional, and spatial information, amino acid conservation, physicochemical variation, residue mobility, and thermodynamic stability) performed at Invitae indicates that this missense variant is not expected to disrupt FN1 protein function with a negative predictive value of 80%. In summary, the available evidence is currently insufficient to determine the role of this variant in disease. Therefore, it has been classified as a Variant of Uncertain Significance.